The following is an entry in ClinVar:

ClinVar aggregate classification (germline): Benign (1 of 4 stars; one submission).

Conditions:
Melanoma, cutaneous malignant, susceptibility to, 5. Also called: Cutaneous malignant melanoma 5. Identifiers: Orphanet 618, MedGen C2751295, MONDO:0013133, OMIM 613099.

Allele frequency attached by ClinVar (database versions not stated): gnomAD 0.00025 and 0.00022; 1000 Genomes Project 0.00040; TOPMed 0.00020; 1000 Genomes Project 30x 0.00031.

Submission:

Illumina Laboratory Services, Illumina
Classification: Benign for Melanoma, cutaneous malignant, susceptibility to, 5. Last evaluated: 2018-01-12. Review status: criteria provided, single submitter. Criteria: ICSL Variant Classification Criteria 13 December 2019. Collection method: clinical testing. Allele origin: germline.
Comment: This variant was observed in the ICSL laboratory as part of a predisposition screen in an ostensibly healthy population. It had not been previously curated by ICSL or reported in the Human Gene Mutation Database (HGMD: prior to June 1st, 2018), and was therefore a candidate for classification through an automated scoring system. Utilizing variant allele frequency, disease prevalence and penetrance estimates, and inheritance mode, an automated score was calculated to assess if this variant is too frequent to cause the disease. Based on the score and internal cut-off values, a variant classified as benign is not then subjected to further curation. The score for this variant resulted in a classification of benign for this disease.

NM_002386.3(MC1R):c.*761C>A

Gene: MC1R (melanocortin 1 receptor; plus strand). Cytogenetic location: 16q24.3.
Variant type: single nucleotide variant.
Coding change: c.*761C>A on transcript NM_002386.3; 761 bases downstream of the stop codon, C replaced by A.
Genome position (GRCh38, 1-based): chr16:89,920,973, C>A. VCF-style: chr16-89920973-C-A. GRCh37 (hg19) VCF-style: chr16-89987381-C-A.
Identifiers: ClinVar variation 884936 (VCV000884936.6), dbSNP rs559928561, ClinGen allele CA286608005.